The following is an entry in ClinVar:

ClinVar aggregate classification (germline): Uncertain significance. Review status: criteria provided, multiple submitters, no conflicts (2 of 4 stars). 2 submissions from 2 submitters: Uncertain significance (2). Last evaluated 2024-12-30.

Conditions:
Autosomal dominant Robinow syndrome 1. Also called: FETAL FACE SYNDROME; ACRAL DYSOSTOSIS WITH FACIAL AND GENITAL ABNORMALITIES; WNT5A-Related Robinow Syndrome, Autosomal Dominant; ROBINOW DWARFISM; Covesdem syndrome (formerly); Costovertebral segmentation defect with mesomelia (formerly). Identifiers: Orphanet 3107, Orphanet 97360, MedGen C4551475, MONDO:0024455, OMIM 180700.

gnomAD v4.1: 7 of 1,563,216 alleles (0.00045%); highest among the groups gnomAD compares: East Asian, 0.0023%; no homozygotes.

Submissions (2):

Labcorp Genetics (formerly Invitae), Labcorp
Classification: Uncertain significance. Last evaluated: 2024-12-30. Review status: criteria provided, single submitter. Criteria: Invitae Variant Classification Sherloc (09022015). Collection method: clinical testing. Allele origin: germline.
Comment: This sequence change replaces asparagine, which is neutral and polar, with serine, which is neutral and polar, at codon 44 of the WNT5A protein (p.Asn44Ser). The frequency data for this variant in the population databases is considered unreliable, as metrics indicate poor data quality at this position in the gnomAD database. This variant has not been reported in the literature in individuals affected with WNT5A-related conditions. An algorithm developed to predict the effect of missense changes on protein structure and function outputs the following: PolyPhen-2: "Benign". The serine amino acid residue is found in multiple mammalian species, which suggests that this missense change does not adversely affect protein function. In summary, the available evidence is currently insufficient to determine the role of this variant in disease. Therefore, it has been classified as a Variant of Uncertain Significance.

Fulgent Genetics
Classification: Uncertain significance for Autosomal dominant Robinow syndrome 1. Last evaluated: 2024-06-04. Review status: criteria provided, single submitter. Criteria: ACMG Guidelines, 2015. Collection method: clinical testing. Allele origin: germline.

NM_003392.7(WNT5A):c.131A>G (p.Asn44Ser)

Gene: WNT5A (Wnt family member 5A; minus strand). Cytogenetic location: 3p14.3.
Variant type: single nucleotide variant.
Coding change: c.131A>G on transcript NM_003392.7 (MANE Select); coding-DNA position 131, A replaced by G.
Protein change: p.Asn44Ser; replaces asparagine 44 with serine.
Molecular consequence: missense variant.
Genome position (GRCh38, 1-based): chr3:55,480,794, T>C on the plus strand (A>G on the coding strand, the complement: WNT5A is on the minus strand). VCF-style: chr3-55480794-T-C. GRCh37 (hg19) VCF-style: chr3-55514822-T-C.
Other names: c.86A>G, p.Asn29Ser (NM_001256105.1, NM_001377271.1, NM_001377272.1); short protein forms N29S, N44S.
Identifiers: ClinVar variation 3589491 (VCV003589491.3).
Genomic context (GRCh38, chr3:55,480,794, plus strand): 5'-TCTTAAAAAAAGAAAAAGAAGAGGAAGAACACGCACATAGAATGAACTTACCACCAAGAA[T>C]TGGCTTCAATTACAACCTGGGCGAAGGAGAAAAATATGGCCAAAGCCACTAGGAAGAACT-3'
Protein context (NP_003383.4, residues 34-54): FSFAQVVIEA[Asn44Ser]SWWSLGMNNP